The following is an entry in ClinVar:

ClinVar aggregate classification (germline): Likely benign. Review status: criteria provided, multiple submitters, no conflicts (2 of 4 stars). 2 submissions from 2 submitters: Likely benign (2). Last evaluated 2025-03-19.

Conditions:
SMPD1-related disorder. Also called: SMPD1-related condition.
Niemann-Pick disease, type B. Also called: Chronic Visceral ASMD (Niemann-Pick Disease Type B; NPD-B). Identifiers: Orphanet 77293, MedGen C0268243, MONDO:0011871, OMIM 607616. Disease mechanism: loss of function.
Niemann-Pick disease, type A. Also called: Infantile Neurovisceral ASMD (Niemann-Pick Disease Type A; NPD-A); SPHINGOMYELIN LIPIDOSIS; SPHINGOMYELINASE DEFICIENCY. Identifiers: Orphanet 77292, MedGen C0268242, MONDO:0009756, OMIM 257200. Disease mechanism: loss of function.

Allele frequency attached by ClinVar (database versions not stated): gnomAD exomes below 0.00001.
gnomAD v4.1: 4 of 1,613,966 alleles (0.00025%); highest among the groups gnomAD compares: Middle Eastern, 0.033%; no homozygotes.

Submissions (2):

PreventionGenetics, part of Exact Sciences
Classification: Likely benign for SMPD1-related condition. Last evaluated: 2025-03-19. Review status: criteria provided, single submitter. Criteria: ACMG Guidelines, 2015. Collection method: clinical testing. Allele origin: germline.
Comment: This variant is classified as likely benign based on ACMG/AMP sequence variant interpretation guidelines (Richards et al. 2015 PMID: 25741868, with internal and published modifications).

Labcorp Genetics (formerly Invitae), Labcorp
Classification: Likely benign for Niemann-Pick disease, type B; Niemann-Pick disease, type A. Last evaluated: 2021-08-01. Review status: criteria provided, single submitter. Criteria: Invitae Variant Classification Sherloc (09022015). Collection method: clinical testing. Allele origin: germline.

NM_000543.5(SMPD1):c.1167T>C (p.Arg389=)

Gene: SMPD1 (sphingomyelin phosphodiesterase 1; plus strand). Cytogenetic location: 11p15.4.
Variant type: single nucleotide variant.
Coding change: c.1167T>C on transcript NM_000543.5 (MANE Select); coding-DNA position 1167, T replaced by C.
Protein change: p.Arg389=; no amino-acid change (arginine 389 retained).
Molecular consequence: synonymous variant. On other transcripts: non-coding transcript variant (1), intron variant (1).
Genome position (GRCh38, 1-based): chr11:6,393,291, T>C. VCF-style: chr11-6393291-T-C. GRCh37 (hg19) VCF-style: chr11-6414521-T-C.
Other names: c.1167T>C (NM_000543.4); c.1164T>C, p.Arg388= (NM_001007593.3); c.1167T>C, p.Arg389= (NM_001318087.2); c.246T>C, p.Arg82= (NM_001318088.2); c.1132-326T>C (NM_001365135.2).
Identifiers: ClinVar variation 1532241 (VCV001532241.9), dbSNP rs1162794351, ClinGen allele CA472736696.